The following is an entry in ClinVar:

ClinVar aggregate classification (germline): Uncertain significance (1 of 4 stars; one submission).

Conditions:
Neurodevelopmental disorder with hypotonia, seizures, and absent language (NDHSAL). Identifiers: MedGen C4310643, MONDO:0014995, OMIM 617268.

Submission:

Centre for Mendelian Genomics, University Medical Centre Ljubljana
Classification: Uncertain significance for Neurodevelopmental disorder with hypotonia, seizures, and absent language. Last evaluated: 2026-07-22. Review status: criteria provided, single submitter. Criteria: ACMG Guidelines, 2015. Collection method: clinical testing. Allele origin: germline. Affected: yes. Observed: 1 variant allele.
Comment: The identified variant has not previously been reported in association with human disease in the biomedical literature; however, the following lines of evidence favor its pathogenicity: (1) the variant is absent from control populations in gnomAD [PM2]; (2) this is a missense variant in a gene with a low rate of benign missense variation (Z score 3.31), in which missense variants are a common mechanism of disease [PP2]; and (3) in silico pathogenicity prediction algorithms predict the variant as pathogenic [PP3], and the variant is consistent with the referral clinical presentation. The available evidence in the biomedical literature and databases is currently insufficient to assert whether the identified variant is pathogenic or a benign polymorphism. We therefore classify it as a variant of uncertain significance.

NM_001348768.2(HECW2):c.3909C>G (p.His1303Gln)

Gene: HECW2 (HECT, C2 and WW domain containing E3 ubiquitin protein ligase 2; minus strand). Cytogenetic location: 2q32.3.
Variant type: single nucleotide variant.
Coding change: c.3909C>G on transcript NM_001348768.2 (MANE Select); coding-DNA position 3909, C replaced by G.
Protein change: p.His1303Gln; replaces histidine 1303 with glutamine.
Molecular consequence: missense variant.
Genome position (GRCh38, 1-based): chr2:196,228,110, G>C on the plus strand (C>G on the coding strand, the complement: HECW2 is on the minus strand). VCF-style: chr2-196228110-G-C. GRCh37 (hg19) VCF-style: chr2-197092834-G-C.
Other names: p.His1303Gln; c.2841C>G, p.His947Gln (NM_001304840.3); c.3909C>G, p.His1303Gln (NM_020760.4); short protein forms H1303Q, H947Q.
Identifiers: ClinVar variation 4871895 (VCV004871895.1).
Genomic context (GRCh38, chr2:196,228,110, plus strand): 5'-CTAATATCATAGGAAATCGCCTGAAGAAAAGTGTTGGGGAAAAAATACTTACCATTCATG[G>C]TGATTGTCTACAAAAGCAGACATAGGACTTATTTGTACTGTGTATGTGTCATTGGCTGAA-3'
Protein context (NP_001335697.1, residues 1293-1313): ISPMSAFVDN[His1303Gln]HEWFRFSGRI